The following is an entry in ClinVar:

NM_021831.6(AGBL5):c.226T>C (p.Tyr76His)

Gene: AGBL5 (AGBL carboxypeptidase 5; plus strand). Cytogenetic location: 2p23.3.
Variant type: single nucleotide variant.
Coding change: c.226T>C on transcript NM_021831.6 (MANE Select); coding-DNA position 226, T replaced by C.
Protein change: p.Tyr76His; replaces tyrosine 76 with histidine.
Molecular consequence: missense variant. On other transcripts: non-coding transcript variant (2).
Genome position (GRCh38, 1-based): chr2:27,053,412, T>C. VCF-style: chr2-27053412-T-C. GRCh37 (hg19) VCF-style: chr2-27276280-T-C.
Other names: c.226T>C, p.Tyr76His (NM_001035507.3); c.226T>C (NM_021831.5); short protein forms Y76H.
Identifiers: ClinVar variation 1000266 (VCV001000266.8), dbSNP rs369899651, ClinGen allele CA1567590.
Genomic context (GRCh38, chr2:27,053,412, plus strand): 5'-ATCTCCAACCCTTCCACACGTAATGACCTCTCTCTTACTCTGGTCCTCAGGTCATGGTTC[T>C]ACTTCAGCGTCCGGGGAGGAATGCCAGGAAAACTCATCAAGATCAACATTATGAACATGA-3'
Protein context (NP_068603.4, residues 66-86): EFENGNRSWF[Tyr76His]FSVRGGMPGK

ClinVar aggregate classification (germline): Uncertain significance. Review status: criteria provided, multiple submitters, no conflicts (2 of 4 stars). 3 submissions from 3 submitters: Uncertain significance (3). Last evaluated 2025-03-30.

Conditions:
Inborn genetic diseases. Identifiers: MedGen C0950123, MeSH D030342.

Allele frequency attached by ClinVar (database versions not stated): TOPMed 0.00002; ESP Exome Variant Server 0.00008; gnomAD 0.00001; gnomAD exomes 0.00001 and 0.00002; ExAC 0.00002.
gnomAD v4.1: 21 of 1,614,004 alleles (0.0013%); highest among the groups gnomAD compares: Non-Finnish European, 0.0017%; no homozygotes.

Submissions (3):

Labcorp Genetics (formerly Invitae), Labcorp
Classification: Uncertain significance. Last evaluated: 2025-03-30. Review status: criteria provided, single submitter. Criteria: Invitae Variant Classification Sherloc (09022015). Collection method: clinical testing. Allele origin: germline.
Comment: This sequence change replaces tyrosine, which is neutral and polar, with histidine, which is basic and polar, at codon 76 of the AGBL5 protein (p.Tyr76His). This variant is present in population databases (rs369899651, gnomAD 0.005%). This variant has not been reported in the literature in individuals affected with AGBL5-related conditions. ClinVar contains an entry for this variant (Variation ID: 1000266). An algorithm developed to predict the effect of missense changes on protein structure and function (PolyPhen-2) suggests that this variant is likely to be tolerated. In summary, the available evidence is currently insufficient to determine the role of this variant in disease. Therefore, it has been classified as a Variant of Uncertain Significance.

Ambry Genetics
Classification: Uncertain significance for Inborn genetic diseases. Last evaluated: 2023-10-25. Review status: criteria provided, single submitter. Criteria: Ambry Variant Classification Scheme 2023. Collection method: clinical testing. Allele origin: germline.

Blueprint Genetics
Classification: Uncertain significance. Last evaluated: 2023-02-23. Review status: criteria provided, single submitter. Criteria: ACMG Guidelines, 2015. Collection method: clinical testing. Allele origin: germline.